The following is an entry in ClinVar:

ClinVar aggregate classification (germline): Uncertain significance (1 of 4 stars; one submission).

Allele frequency attached by ClinVar (database versions not stated): gnomAD 0.00003; gnomAD exomes 0.00003; ExAC 0.00007.
gnomAD v4.1: 45 of 1,578,532 alleles (0.0029%); highest among the groups gnomAD compares: South Asian, 0.038%; 1 homozygote.

Submission:

Labcorp Genetics (formerly Invitae), Labcorp
Classification: Uncertain significance. Last evaluated: 2024-07-29. Review status: criteria provided, single submitter. Criteria: Invitae Variant Classification Sherloc (09022015). Collection method: clinical testing. Allele origin: germline.
Comment: This sequence change replaces arginine, which is basic and polar, with glycine, which is neutral and non-polar, at codon 371 of the TCF3 protein (p.Arg371Gly). This variant is present in population databases (rs764633428, gnomAD 0.04%). This variant has not been reported in the literature in individuals affected with TCF3-related conditions. Advanced modeling of protein sequence and biophysical properties (such as structural, functional, and spatial information, amino acid conservation, physicochemical variation, residue mobility, and thermodynamic stability) has been performed at Invitae for this missense variant, however the output from this modeling did not meet the statistical confidence thresholds required to predict the impact of this variant on TCF3 protein function. In summary, the available evidence is currently insufficient to determine the role of this variant in disease. Therefore, it has been classified as a Variant of Uncertain Significance.

NM_003200.5(TCF3):c.1111C>G (p.Arg371Gly)

Gene: TCF3 (transcription factor 3; minus strand). Cytogenetic location: 19p13.3.
Variant type: single nucleotide variant.
Coding change: c.1111C>G on transcript NM_003200.5 (MANE Select); coding-DNA position 1111, C replaced by G.
Protein change: p.Arg371Gly; replaces arginine 371 with glycine.
Molecular consequence: missense variant.
Genome position (GRCh38, 1-based): chr19:1,619,836, G>C on the plus strand (C>G on the coding strand, the complement: TCF3 is on the minus strand). VCF-style: chr19-1619836-G-C. GRCh37 (hg19) VCF-style: chr19-1619835-G-C.
Other names: c.1111C>G, p.Arg371Gly (NM_001136139.4, NM_001351778.2, NM_001351779.2); short protein forms R371G.
Identifiers: ClinVar variation 3003103 (VCV003003103.3), dbSNP rs764633428, ClinGen allele CA9050048.